The following is an entry in ClinVar:

ClinVar aggregate classification (germline): Uncertain significance (1 of 4 stars; one submission).

Conditions:
Type A2 brachydactyly (BDA2). Also called: BRACHYMESOPHALANGY II; MOHR-WRIEDT TYPE BRACHYDACTYLY; Brachymesophalangy type 2. Identifiers: Orphanet 93396, MedGen C1832702, MONDO:0007216, OMIM 112600, HP:0009372.
Acromesomelic dysplasia 3 (AMD3). Also called: CHONDRODYSPLASIA, ACROMESOMELIC, WITH OR WITHOUT GENITAL ANOMALIES; Acromesomelic dysplasia, Demirhan type. Identifiers: MedGen C4225404, MONDO:0012274, OMIM 609441.

Allele frequency attached by ClinVar (database versions not stated): ExAC 0.00001; gnomAD 0.00001; ESP Exome Variant Server 0.00008.
gnomAD v4.1: 7 of 1,613,668 alleles (0.00043%); highest among the groups gnomAD compares: Admixed American, 0.0033%; no homozygotes.

Submission:

Labcorp Genetics (formerly Invitae), Labcorp
Classification: Uncertain significance for Type A2 brachydactyly; Acromesomelic dysplasia 3. Last evaluated: 2023-08-17. Review status: criteria provided, single submitter. Criteria: Invitae Variant Classification Sherloc (09022015). Collection method: clinical testing. Allele origin: germline.
Comment: This sequence change replaces serine, which is neutral and polar, with cysteine, which is neutral and slightly polar, at codon 175 of the BMPR1B protein (p.Ser175Cys). This variant is present in population databases (rs367777041, gnomAD 0.003%). This variant has not been reported in the literature in individuals affected with BMPR1B-related conditions. Advanced modeling of protein sequence and biophysical properties (such as structural, functional, and spatial information, amino acid conservation, physicochemical variation, residue mobility, and thermodynamic stability) performed at Invitae indicates that this missense variant is not expected to disrupt BMPR1B protein function. In summary, the available evidence is currently insufficient to determine the role of this variant in disease. Therefore, it has been classified as a Variant of Uncertain Significance.

NM_001203.3(BMPR1B):c.524C>G (p.Ser175Cys)

Gene: BMPR1B (bone morphogenetic protein receptor type 1B; plus strand). Cytogenetic location: 4q22.3.
Variant type: single nucleotide variant.
Coding change: c.524C>G on transcript NM_001203.3 (MANE Select); coding-DNA position 524, C replaced by G.
Protein change: p.Ser175Cys; replaces serine 175 with cysteine.
Molecular consequence: missense variant.
Genome position (GRCh38, 1-based): chr4:95,125,060, C>G. VCF-style: chr4-95125060-C-G. GRCh37 (hg19) VCF-style: chr4-96046211-C-G.
Other names: c.524C>G, p.Ser175Cys (NM_001256792.2, NM_001256794.1); c.614C>G, p.Ser205Cys (NM_001256793.2); short protein forms S175C, S205C.
Identifiers: ClinVar variation 2951718 (VCV002951718.3), dbSNP rs367777041, ClinGen allele CA3015012.